The following is an entry in ClinVar:

NM_006031.6(PCNT):c.8338G>C (p.Val2780Leu)

Gene: PCNT (pericentrin; plus strand). Cytogenetic location: 21q22.3.
Variant type: single nucleotide variant.
Coding change: c.8338G>C on transcript NM_006031.6 (MANE Select); coding-DNA position 8338, G replaced by C.
Protein change: p.Val2780Leu; replaces valine 2780 with leucine.
Molecular consequence: missense variant.
Genome position (GRCh38, 1-based): chr21:46,431,802, G>C. VCF-style: chr21-46431802-G-C. GRCh37 (hg19) VCF-style: chr21-47851716-G-C.
Other names: c.7984G>C, p.Val2662Leu (NM_001315529.2); short protein forms V2662L, V2780L.
Identifiers: ClinVar variation 3355820 (VCV003355820.3).

ClinVar aggregate classification (germline): Uncertain significance. Review status: criteria provided, multiple submitters, no conflicts (2 of 4 stars). 2 submissions from 2 submitters: Uncertain significance (2). Last evaluated 2026-08-13.

Conditions:
Inborn genetic diseases. Identifiers: MedGen C0950123, MeSH D030342.
PCNT-related disorder. Also called: PCNT-related condition.

gnomAD v4.1: 50 of 1,613,424 alleles (0.0031%); highest among the groups gnomAD compares: Non-Finnish European, 0.0041%; no homozygotes.

Submissions (2):

PreventionGenetics, part of Exact Sciences
Classification: Uncertain significance for PCNT-related condition. Last evaluated: 2026-08-13. Review status: criteria provided, single submitter. Criteria: ACMG Guidelines, 2015. Collection method: clinical testing. Allele origin: germline.
Comment: The PCNT c.8338G>C variant is predicted to result in the amino acid substitution p.Val2780Leu. To our knowledge, this variant has not been reported in the literature. This variant is reported in 0.0080% of alleles in individuals of African descent in gnomAD. At this time, the clinical significance of this variant is uncertain due to the absence of conclusive functional and genetic evidence.

Ambry Genetics
Classification: Uncertain significance for Inborn genetic diseases. Last evaluated: 2025-10-07. Review status: criteria provided, single submitter. Criteria: Ambry Variant Classification Scheme 2023. Collection method: clinical testing. Allele origin: germline.